The following is an entry in ClinVar:

NM_001145809.2(MYH14):c.2111G>A (p.Arg704His)

Gene: MYH14 (myosin heavy chain 14; plus strand). Cytogenetic location: 19q13.33.
Variant type: single nucleotide variant.
Coding change: c.2111G>A on transcript NM_001145809.2 (MANE Select); coding-DNA position 2111, G replaced by A.
Protein change: p.Arg704His; replaces arginine 704 with histidine.
Molecular consequence: missense variant.
Genome position (GRCh38, 1-based): chr19:50,257,365, G>A. VCF-style: chr19-50257365-G-A. GRCh37 (hg19) VCF-style: chr19-50760622-G-A.
Other names: c.2012G>A, p.Arg671His (NM_001077186.2); c.1988G>A, p.Arg663His (NM_024729.4); short protein forms R663H, R671H, R704H.
Identifiers: ClinVar variation 1311869 (VCV001311869.4), dbSNP rs748496477, ClinGen allele CA9592798.
Genomic context (GRCh38, chr19:50,257,365, plus strand): 5'-GCATCGTGGGGCTGGAACAGGTGAGCAGCCTGGGCGACGGCCCACCAGGTGGCCGCCCCC[G>A]TCGGGGTATGTTCCGGACAGTGGGACAGCTCTACAAGGAGTCCCTGAGCCGCCTCATGGC-3'
Protein context (NP_001139281.1, residues 694-714): LGDGPPGGRP[Arg704His]RGMFRTVGQL

ClinVar aggregate classification (germline): Uncertain significance. Review status: criteria provided, multiple submitters, no conflicts (2 of 4 stars). 2 submissions from 2 submitters: Uncertain significance (2). Last evaluated 2020-01-08.

Allele frequency attached by ClinVar (database versions not stated): gnomAD exomes 0.00002; TOPMed 0.00002; gnomAD 0.00003 and 0.00004; ExAC 0.00004.
gnomAD v4.1: 20 of 1,608,372 alleles (0.0012%); highest among the groups gnomAD compares: East Asian, 0.0045%; no homozygotes.

Submissions (2):

GeneDx
Classification: Uncertain significance. Last evaluated: 2020-01-08. Review status: criteria provided, single submitter. Criteria: GeneDx Variant Classification Process June 2021. Collection method: clinical testing. Allele origin: germline. Affected: yes.
Comment: In silico analysis, which includes protein predictors and evolutionary conservation, supports a deleterious effect; Has not been previously published as pathogenic or benign to our knowledge

Revvity Omics, Revvity
Classification: Uncertain significance. Last evaluated: 2019-01-31. Review status: criteria provided, single submitter. Criteria: ACMG Guidelines, 2015. Collection method: clinical testing. Allele origin: germline.